The following is an entry in ClinVar:

ClinVar aggregate classification (germline): Uncertain significance (1 of 4 stars; one submission).

Conditions:
Cardiovascular phenotype. Identifiers: MedGen CN230736.

Submission:

Ambry Genetics
Classification: Uncertain significance for Cardiovascular phenotype. Last evaluated: 2024-04-26. Review status: criteria provided, single submitter. Criteria: Ambry Variant Classification Scheme 2023. Collection method: clinical testing. Allele origin: germline.
Comment: The p.D162H variant (also known as c.484G>C), located in coding exon 4 of the GATAD1 gene, results from a G to C substitution at nucleotide position 484. The aspartic acid at codon 162 is replaced by histidine, an amino acid with similar properties. This amino acid position is conserved. In addition, this alteration is predicted to be deleterious by in silico analysis. Based on the available evidence, the clinical significance of this variant remains unclear.

NM_021167.5(GATAD1):c.484G>C (p.Asp162His)

Gene: GATAD1 (GATA zinc finger domain containing 1; plus strand). Cytogenetic location: 7q21.2.
Variant type: single nucleotide variant.
Coding change: c.484G>C on transcript NM_021167.5 (MANE Select); coding-DNA position 484, G replaced by C.
Protein change: p.Asp162His; replaces aspartic acid 162 with histidine.
Molecular consequence: missense variant. On other transcripts: non-coding transcript variant (1).
Genome position (GRCh38, 1-based): chr7:92,454,550, G>C. VCF-style: chr7-92454550-G-C. GRCh37 (hg19) VCF-style: chr7-92083864-G-C.
Other names: short protein forms D162H.
Identifiers: ClinVar variation 3280859 (VCV003280859.1).
Genomic context (GRCh38, chr7:92,454,550, plus strand): 5'-TGTTTCCCCCAGGGAGTATATTACCAAATTGGTGATGTTGTTTCTGTGATTGATGAACAA[G>C]ATGGAAAGCCCTACTATGCTCAAATCAGAGGTTTTATCCAGGACCAGTATTGCGAGAAGA-3'
Protein context (NP_066990.3, residues 152-172): GDVVSVIDEQ[Asp162His]GKPYYAQIRG